The following is an entry in ClinVar:

NM_203447.4(DOCK8):c.5282C>T (p.Ala1761Val)

Gene: DOCK8 (dedicator of cytokinesis 8; plus strand). Cytogenetic location: 9p24.3.
Variant type: single nucleotide variant.
Coding change: c.5282C>T on transcript NM_203447.4 (MANE Select); coding-DNA position 5282, C replaced by T.
Protein change: p.Ala1761Val; replaces alanine 1761 with valine.
Molecular consequence: missense variant.
Genome position (GRCh38, 1-based): chr9:441,344, C>T. VCF-style: chr9-441344-C-T. GRCh37 (hg19) VCF-style: chr9-441344-C-T.
Other names: c.4982C>T, p.Ala1661Val (NM_001190458.2); c.5078C>T, p.Ala1693Val (NM_001193536.2); short protein forms A1761V, A1693V, A1661V.
Identifiers: ClinVar variation 945296 (VCV000945296.7), dbSNP rs139494783, ClinGen allele CA4959382.

ClinVar aggregate classification (germline): Uncertain significance. Review status: criteria provided, multiple submitters, no conflicts (2 of 4 stars). 2 submissions from 2 submitters: Uncertain significance (2). Last evaluated 2024-06-27.

Conditions:
Hyper-IgE recurrent infection syndrome 3, autosomal recessive. Also called: Autosomal recessive hyper-IgE syndrome due to ZNF341 deficiency; HYPER-IgE SYNDROME 3, AUTOSOMAL RECESSIVE, WITH RECURRENT INFECTIONS. Identifiers: Orphanet 641368, MedGen C4748969, MONDO:0032654, OMIM 618282.

Allele frequency attached by ClinVar (database versions not stated): gnomAD exomes 0.00006; ExAC 0.00008; ESP Exome Variant Server 0.00008; gnomAD 0.00008 and 0.00009; TOPMed 0.00009.
gnomAD v4.1: 94 of 1,614,056 alleles (0.0058%); highest among the groups gnomAD compares: East Asian, 0.031%; 1 homozygote.

Submissions (2):

Blueprint Genetics
Classification: Uncertain significance. Last evaluated: 2024-06-27. Review status: criteria provided, single submitter. Criteria: ACMG Guidelines, 2015. Collection method: clinical testing. Allele origin: germline.

Labcorp Genetics (formerly Invitae), Labcorp
Classification: Uncertain significance for Combined immunodeficiency due to DOCK8 deficiency. Last evaluated: 2023-12-27. Review status: criteria provided, single submitter. Criteria: Invitae Variant Classification Sherloc (09022015). Collection method: clinical testing. Allele origin: germline.
Comment: This sequence change replaces alanine, which is neutral and non-polar, with valine, which is neutral and non-polar, at codon 1761 of the DOCK8 protein (p.Ala1761Val). This variant is present in population databases (rs139494783, gnomAD 0.02%). This variant has not been reported in the literature in individuals affected with DOCK8-related conditions. ClinVar contains an entry for this variant (Variation ID: 945296). Advanced modeling of protein sequence and biophysical properties (such as structural, functional, and spatial information, amino acid conservation, physicochemical variation, residue mobility, and thermodynamic stability) has been performed at Invitae for this missense variant, however the output from this modeling did not meet the statistical confidence thresholds required to predict the impact of this variant on DOCK8 protein function. In summary, the available evidence is currently insufficient to determine the role of this variant in disease. Therefore, it has been classified as a Variant of Uncertain Significance.